The following is an entry in ClinVar:

NM_000368.5(TSC1):c.2392-437T>A

Gene: TSC1 (TSC complex subunit 1; minus strand). Cytogenetic location: 9q34.13.
Variant type: single nucleotide variant.
Coding change: c.2392-437T>A on transcript NM_000368.5 (MANE Select); 437 bases into the intron before coding-DNA position 2392, T replaced by A.
Molecular consequence: intron variant.
Genome position (GRCh38, 1-based): chr9:132,902,136, A>T on the plus strand (T>A on the coding strand, the complement: TSC1 is on the minus strand). VCF-style: chr9-132902136-A-T. GRCh37 (hg19) VCF-style: chr9-135777523-A-T.
Other names: c.2026-437T>A (NM_001406620.1, NM_001406625.1, NM_001406621.1 and 2 more transcripts); c.2029-437T>A (NM_001406618.1, NM_001406617.1, NM_001406619.1 and 5 more transcripts); c.2236-437T>A (NM_001406613.1, NM_001406612.1, NM_001406611.1); c.2239-437T>A (NM_001406610.1, NM_001162427.2); c.1438-437T>A (NM_001406627.1, NM_001406628.1); c.1339-437T>A (NM_001406629.1, NM_001406630.1); c.2374-437T>A (NM_001406603.1, NM_001406604.1); c.2389-437T>A (NM_001406609.1, NM_001406597.1, NM_001406600.1 and 4 more transcripts); and 3 more.
Identifiers: ClinVar variation 5031245 (VCV005031245.1).

ClinVar aggregate classification (germline): Uncertain significance (1 of 4 stars; one submission).

Conditions:
Hereditary cancer-predisposing syndrome. Also called: Neoplastic Syndromes, Hereditary; Tumor predisposition; Hereditary neoplastic syndrome; Hereditary Cancer Syndrome. Identifiers: Orphanet 140162, MedGen C0027672, MeSH D009386, MONDO:0015356.

Submission:

Ambry Genetics
Classification: Uncertain significance for Hereditary cancer-predisposing syndrome. Last evaluated: 2026-09-10. Review status: criteria provided, single submitter. Criteria: Ambry Variant Classification Scheme 2023. Collection method: clinical testing. Allele origin: germline.
Comment: The c.2392-437T>A intronic variant results from a T to A substitution 437 nucleotides upstream from coding exon 17 in the TSC1 gene. This nucleotide position is well conserved in available vertebrate species. In silico splice site analysis predicts that this alteration will result in the creation or strengthening of a novel splice acceptor site and will result in the creation or strengthening of a novel splice donor site. RNA studies have demonstrated that this variant results in a splice defect; the clinical impact of this abnormal splicing is unknown at this time (Ambry internal data). Based on the available evidence, the clinical significance of this variant remains unclear.